The following is an entry in ClinVar:

ClinVar aggregate classification (germline): Uncertain significance (1 of 4 stars; one submission).

Submission:

Labcorp Genetics (formerly Invitae), Labcorp
Classification: Uncertain significance. Last evaluated: 2021-11-08. Review status: criteria provided, single submitter. Criteria: Invitae Variant Classification Sherloc (09022015). Collection method: clinical testing. Allele origin: germline.
Comment: In summary, the available evidence is currently insufficient to determine the role of this variant in disease. Therefore, it has been classified as a Variant of Uncertain Significance. Algorithms developed to predict the effect of missense changes on protein structure and function are either unavailable or do not agree on the potential impact of this missense change (SIFT: "Deleterious"; PolyPhen-2: "Benign"; Align-GVGD: "Class C0"). This variant has not been reported in the literature in individuals affected with PTH1R-related conditions. This variant is not present in population databases (gnomAD no frequency). This sequence change replaces arginine, which is basic and polar, with glycine, which is neutral and non-polar, at codon 5 of the PTH1R protein (p.Arg5Gly).

NM_000316.3(PTH1R):c.13C>G (p.Arg5Gly)

Gene: PTH1R (parathyroid hormone 1 receptor; plus strand). Cytogenetic location: 3p21.31.
Variant type: single nucleotide variant.
Coding change: c.13C>G on transcript NM_000316.3 (MANE Select); coding-DNA position 13, C replaced by G.
Protein change: p.Arg5Gly; replaces arginine 5 with glycine.
Molecular consequence: missense variant.
Genome position (GRCh38, 1-based): chr3:46,883,572, C>G. VCF-style: chr3-46883572-C-G. GRCh37 (hg19) VCF-style: chr3-46925062-C-G.
Other names: c.13C>G, p.Arg5Gly (NM_001184744.1); short protein forms R5G.
Identifiers: ClinVar variation 1379665 (VCV001379665.6), dbSNP rs1250201262, ClinGen allele CA352502871.